The following is an entry in ClinVar:

ClinVar aggregate classification (germline): Uncertain significance (1 of 4 stars; one submission).

Conditions:
Inborn genetic diseases. Identifiers: MedGen C0950123, MeSH D030342.

Submission:

Ambry Genetics
Classification: Uncertain significance for Inborn genetic diseases. Last evaluated: 2024-08-01. Review status: criteria provided, single submitter. Criteria: Ambry Variant Classification Scheme 2023. Collection method: clinical testing. Allele origin: germline.
Comment: The c.58-2A>C intronic variant results from an A to C substitution two nucleotides before coding exon 2 of the MAP4K4 gene. Alterations that disrupt the canonical splice site are expected to result in aberrant splicing. The resulting transcript is predicted to be in-frame and is not expected to trigger nonsense-mediated mRNA decay; however, direct evidence is unavailable. The exact functional effect of the altered amino acid sequence is unknown. This variant was not reported in population-based cohorts in the Genome Aggregation Database (gnomAD). This nucleotide position is highly conserved in available vertebrate species. In silico splice site analysis predicts that this alteration will weaken the native splice acceptor site and may result in the creation or strengthening of a novel splice acceptor site. Based on insufficient or conflicting evidence, the clinical significance of this alteration remains unclear.

NM_001395002.1(MAP4K4):c.58-2A>C

Gene: MAP4K4 (mitogen-activated protein kinase kinase kinase kinase 4; plus strand). Cytogenetic location: 2q11.2.
Variant type: single nucleotide variant.
Coding change: c.58-2A>C on transcript NM_001395002.1 (MANE Select); the canonical splice acceptor site of the intron before coding-DNA position 58, A replaced by C.
Molecular consequence: splice acceptor variant. On other transcripts: missense variant (19).
Genome position (GRCh38, 1-based): chr2:101,698,471, A>C. VCF-style: chr2-101698471-A-C. GRCh37 (hg19) VCF-style: chr2-102314933-A-C.
Other names: c.29A>C, p.Gln10Pro (NM_001384549.1, NM_001384550.1, NM_001384551.1 and 16 more transcripts); c.58-2A>C (NM_001384506.1, NM_001384497.1, NM_001384486.1 and 28 more transcripts); short protein forms Q10P.
Identifiers: ClinVar variation 3543001 (VCV003543001.1).